The following is an entry in ClinVar:

ClinVar aggregate classification (germline): Likely benign (1 of 4 stars; one submission).

Conditions:
SEMA3D-related disorder. Also called: SEMA3D-related condition.

Submission:

PreventionGenetics, part of Exact Sciences
Classification: Likely benign for SEMA3D-related condition. Last evaluated: 2025-10-17. Review status: criteria provided, single submitter. Criteria: ACMG Guidelines, 2015. Collection method: clinical testing. Allele origin: germline.
Comment: This variant is classified as likely benign based on ACMG/AMP sequence variant interpretation guidelines (Richards et al. 2015 PMID: 25741868, with internal and published modifications).

NM_001384900.1(SEMA3D):c.1503+7C>G

Gene: SEMA3D (semaphorin 3D; minus strand). Cytogenetic location: 7q21.11.
Variant type: single nucleotide variant.
Coding change: c.1503+7C>G on transcript NM_001384900.1 (MANE Select); 7 bases into the intron after coding-DNA position 1503, C replaced by G.
Molecular consequence: intron variant.
Genome position (GRCh38, 1-based): chr7:85,020,226, G>C on the plus strand (C>G on the coding strand, the complement: SEMA3D is on the minus strand). VCF-style: chr7-85020226-G-C. GRCh37 (hg19) VCF-style: chr7-84649542-G-C.
Other names: c.1503+7C>G (NM_001384901.1, NM_001384903.1, NM_001384902.1 and 1 more transcripts).
Identifiers: ClinVar variation 4995540 (VCV004995540.1).